The following is an entry in ClinVar:

ClinVar aggregate classification (germline): Uncertain significance (1 of 4 stars; one submission).

gnomAD v4.1: 3 of 1,613,090 alleles (0.00019%); highest among the groups gnomAD compares: South Asian, 0.0011%; no homozygotes.

Submission:

Labcorp Genetics (formerly Invitae), Labcorp
Classification: Uncertain significance. Last evaluated: 2025-10-10. Review status: criteria provided, single submitter. Criteria: Invitae Variant Classification Sherloc (09022015). Collection method: clinical testing. Allele origin: germline.
Comment: This sequence change replaces glycine, which is neutral and non-polar, with aspartic acid, which is acidic and polar, at codon 814 of the AHDC1 protein (p.Gly814Asp). The frequency data for this variant in the population databases is considered unreliable, as metrics indicate poor data quality at this position in the gnomAD database. This variant has not been reported in the literature in individuals affected with AHDC1-related conditions. An algorithm developed to predict the effect of missense changes on protein structure and function (PolyPhen-2) suggests that this variant is likely to be disruptive. In summary, the available evidence is currently insufficient to determine the role of this variant in disease. Therefore, it has been classified as a Variant of Uncertain Significance.

NM_001371928.1(AHDC1):c.2441G>A (p.Gly814Asp)

Gene: AHDC1 (AT-hook DNA binding motif containing 1; minus strand). Cytogenetic location: 1p36.11.
Variant type: single nucleotide variant.
Coding change: c.2441G>A on transcript NM_001371928.1 (MANE Select); coding-DNA position 2441, G replaced by A.
Protein change: p.Gly814Asp; replaces glycine 814 with aspartic acid.
Molecular consequence: missense variant.
Genome position (GRCh38, 1-based): chr1:27,549,675, C>T on the plus strand (G>A on the coding strand, the complement: AHDC1 is on the minus strand). VCF-style: chr1-27549675-C-T. GRCh37 (hg19) VCF-style: chr1-27876186-C-T.
Other names: c.2441G>A, p.Gly814Asp (NM_001029882.3); short protein forms G814D.
Identifiers: ClinVar variation 4728888 (VCV004728888.1).